The following is an entry in ClinVar:

ClinVar aggregate classification (germline): Pathogenic. Review status: criteria provided, multiple submitters, no conflicts (2 of 4 stars). 2 submissions from 2 submitters: Pathogenic (2). Last evaluated 2023-11-09.

Conditions:
Familial hypokalemia-hypomagnesemia (GTLMNS). Also called: HYPOMAGNESEMIA-HYPOKALEMIA, PRIMARY RENOTUBULAR, WITH HYPOCALCIURIA; POTASSIUM AND MAGNESIUM DEPLETION; gitelman syndrome. Identifiers: Orphanet 358, MedGen C0268450, MONDO:0009904, OMIM 263800.

Allele frequency attached by ClinVar (database versions not stated): gnomAD exomes below 0.00001.

Submissions (2):

Women's Health and Genetics/Laboratory Corporation of America, LabCorp
Classification: Pathogenic for Familial hypokalemia-hypomagnesemia. Last evaluated: 2023-11-09. Review status: criteria provided, single submitter. Criteria: LabCorp Variant Classification Summary - May 2015. Collection method: clinical testing. Allele origin: germline.
Comment: Variant summary: SLC12A3 c.378delC (p.Ser126ArgfsX17) results in a premature termination codon, predicted to cause a truncation of the encoded protein or absence of the protein due to nonsense mediated decay, which are commonly known mechanisms for disease. Variants downstream of this position have been classified as pathogenic by our laboratory. The variant was absent in 249406 control chromosomes. c.378delC has been reported in the literature in at least one homozygous individual affected with Gitelman syndrome (e.g. Palazzo_2022). These data indicate that the variant may be associated with disease. To our knowledge, no experimental evidence demonstrating an impact on protein function has been reported. No submitters have cited clinical-significance assessments for this variant to ClinVar after 2014. Based on the evidence outlined above, the variant was classified as pathogenic.

Labcorp Genetics (formerly Invitae), Labcorp
Classification: Pathogenic. Last evaluated: 2023-10-17. Review status: criteria provided, single submitter. Criteria: Invitae Variant Classification Sherloc (09022015). Collection method: clinical testing. Allele origin: germline.
Comment: This sequence change creates a premature translational stop signal (p.Ser126Argfs*17) in the SLC12A3 gene. It is expected to result in an absent or disrupted protein product. Loss-of-function variants in SLC12A3 are known to be pathogenic (PMID: 20848653, 22009145, 25841442). This variant is not present in population databases (gnomAD no frequency). This premature translational stop signal has been observed in individual(s) with clinical features of SLC12A3-related conditions (PMID: 35628451). For these reasons, this variant has been classified as Pathogenic.

Literature cited by the submitters: PubMed 35628451 (cited by Women's Health and Genetics/Laboratory Corporation of America, LabCorp and Labcorp Genetics (formerly Invitae), Labcorp); PubMed 20848653 (cited by Labcorp Genetics (formerly Invitae), Labcorp); PubMed 22009145 (cited by Labcorp Genetics (formerly Invitae), Labcorp); PubMed 25841442 (cited by Labcorp Genetics (formerly Invitae), Labcorp).

NM_001126108.2(SLC12A3):c.378del (p.Ser126fs)

Gene: SLC12A3 (solute carrier family 12 member 3; plus strand). Cytogenetic location: 16q13.
Variant type: Deletion.
Coding change: c.378del on transcript NM_001126108.2 (MANE Select); coding-DNA position 378, one base deleted (C; older notation c.378delC).
Protein change: p.Ser126fs; shifts the reading frame from serine 126.
Molecular consequence: frameshift variant.
Genome position (GRCh38, 1-based): chr16:56,867,165, C deleted. VCF-style (leftmost placement, unchanged base first): chr16-56867164-GC-G. GRCh37 (hg19) VCF-style: chr16-56901076-GC-G.
Other names: c.378del, p.Ser126fs (NM_000339.3); c.375del, p.Ser125fs (NM_001126107.2, NM_001410896.1); c.378delC (NM_000339.3); short protein forms S125fs, S126fs.
Identifiers: ClinVar variation 2682419 (VCV002682419.4), dbSNP rs2543473065, ClinGen allele CA2576001631.